The following is an entry in ClinVar:

NM_003000.3(SDHB):c.13G>T (p.Val5Phe)

Gene: SDHB (succinate dehydrogenase complex iron sulfur subunit B; minus strand). Cytogenetic location: 1p36.13.
Variant type: single nucleotide variant.
Coding change: c.13G>T on transcript NM_003000.3 (MANE Select); coding-DNA position 13, G replaced by T.
Protein change: p.Val5Phe; replaces valine 5 with phenylalanine.
Molecular consequence: missense variant.
Genome position (GRCh38, 1-based): chr1:17,054,007, C>A on the plus strand (G>T on the coding strand, the complement: SDHB is on the minus strand). VCF-style: chr1-17054007-C-A. GRCh37 (hg19) VCF-style: chr1-17380502-C-A.
Other names: short protein forms V5F.
Identifiers: ClinVar variation 574507 (VCV000574507.6), dbSNP rs962717797, ClinGen allele CA338230858.

ClinVar aggregate classification (germline): Uncertain significance (1 of 4 stars; one submission).

Conditions:
Pheochromocytoma. Also called: MAX-Related Hereditary Paraganglioma-Pheochromocytoma Syndrome. Identifiers: Orphanet 29072, MedGen C0031511, MONDO:0008233, OMIM 171300, HP:0002666.
Pheochromocytoma/paraganglioma syndrome 4. Also called: PARAGANGLIOMA, FAMILIAL MALIGNANT; PARAGANGLIOMAS, HEREDITARY EXTRAADRENAL; PHEOCHROMOCYTOMA, FAMILIAL EXTRAADRENAL; SDHB-Related Hereditary Paraganglioma-Pheochromocytoma Syndrome (Paragangliomas 4); CAROTID BODY TUMORS AND MULTIPLE EXTRAADRENAL PHEOCHROMOCYTOMAS; SDHB-Related Hereditary Paraganglioma-Pheochromocytoma Syndrome. Identifiers: Orphanet 29072, MedGen C1861848, MONDO:0007273, OMIM 115310.
Gastrointestinal stromal tumor. Also called: Gastrointestinal stromal tumor, somatic; Gastrointestinal stroma tumor. Identifiers: Orphanet 44890, MedGen C0238198, MeSH D046152, MONDO:0011719, OMIM 606764, HP:0100723.

Submission:

Labcorp Genetics (formerly Invitae), Labcorp
Classification: Uncertain significance for Gastrointestinal stromal tumor; Pheochromocytoma/paraganglioma syndrome 4; Pheochromocytoma. Last evaluated: 2018-03-28. Review status: criteria provided, single submitter. Criteria: Invitae Variant Classification Sherloc (09022015). Collection method: clinical testing. Allele origin: germline.
Comment: In summary, the available evidence is currently insufficient to determine the role of this variant in disease. Therefore, it has been classified as a Variant of Uncertain Significance. Algorithms developed to predict the effect of missense changes on protein structure and function do not agree on the potential impact of this missense change (SIFT: "Deleterious"; PolyPhen-2: "Benign"; Align-GVGD: "Class C0"). This variant has not been reported in the literature in individuals with SDHB-related disease. This variant is not present in population databases (ExAC no frequency). This sequence change replaces valine with phenylalanine at codon 5 of the SDHB protein (p.Val5Phe). The valine residue is moderately conserved and there is a small physicochemical difference between valine and phenylalanine.